The following is an entry in ClinVar:

ClinVar aggregate classification (germline): Uncertain significance (1 of 4 stars; one submission).

Submission:

Labcorp Genetics (formerly Invitae), Labcorp
Classification: Uncertain significance. Last evaluated: 2022-03-26. Review status: criteria provided, single submitter. Criteria: Invitae Variant Classification Sherloc (09022015). Collection method: clinical testing. Allele origin: germline.
Comment: This sequence change replaces glutamine, which is neutral and polar, with arginine, which is basic and polar, at codon 191 of the CIB1 protein (p.Gln191Arg). This variant is not present in population databases (gnomAD no frequency). This variant has not been reported in the literature in individuals affected with CIB1-related conditions. Algorithms developed to predict the effect of missense changes on protein structure and function are either unavailable or do not agree on the potential impact of this missense change (SIFT: "Tolerated"; PolyPhen-2: "Not Available"; Align-GVGD: "Class C0"). In summary, the available evidence is currently insufficient to determine the role of this variant in disease. Therefore, it has been classified as a Variant of Uncertain Significance.

NM_006384.4(CIB1):c.452A>G (p.Gln151Arg)

Gene: CIB1 (calcium and integrin binding 1; minus strand). Cytogenetic location: 15q26.1.
Variant type: single nucleotide variant.
Coding change: c.452A>G on transcript NM_006384.4 (MANE Select); coding-DNA position 452, A replaced by G.
Protein change: p.Gln151Arg; replaces glutamine 151 with arginine.
Molecular consequence: missense variant. On other transcripts: non-coding transcript variant (2).
Genome position (GRCh38, 1-based): chr15:90,231,108, T>C on the plus strand (A>G on the coding strand, the complement: CIB1 is on the minus strand). VCF-style: chr15-90231108-T-C. GRCh37 (hg19) VCF-style: chr15-90774340-T-C.
Other names: c.572A>G, p.Gln191Arg (NM_001277764.2); short protein forms Q151R, Q191R.
Identifiers: ClinVar variation 2117382 (VCV002117382.4), dbSNP rs2505969786, ClinGen allele CA393813810.
Genomic context (GRCh38, chr15:90,231,108, plus strand): 5'-GAGCCCCAACTGCTCCCTCCCGCTCCCAGGCCTGCTCAGCTGCTCACGTTGTCGATGAGC[T>C]GCTTCATCTCAGACGCACTAAGCCGTGTGTCCTCGCCCTCTCCCGTGAGGCAGTTCACCA-3'
Protein context (NP_006375.2, residues 141-161): DTRLSASEMK[Gln151Arg]LIDNILEESD